The following is an entry in ClinVar:

ClinVar aggregate classification (germline): Uncertain significance. Review status: criteria provided, multiple submitters, no conflicts (2 of 4 stars). 2 submissions from 2 submitters: Uncertain significance (2). Last evaluated 2025-03-18.

gnomAD v4.1: 20 of 1,614,058 alleles (0.0012%); highest among the groups gnomAD compares: African/African-American, 0.0027%; no homozygotes.

Submissions (2):

Mayo Clinic Laboratories, Mayo Clinic
Classification: Uncertain significance. Last evaluated: 2025-03-18. Review status: criteria provided, single submitter. Criteria: ACMG Guidelines, 2015. Collection method: clinical testing. Allele origin: germline. Observed: 1 variant allele.
Comment: BP4

GeneDx
Classification: Uncertain significance. Last evaluated: 2025-01-06. Review status: criteria provided, single submitter. Criteria: GeneDx Variant Classification Process June 2021. Collection method: clinical testing. Allele origin: germline. Affected: yes.
Comment: Not observed at significant frequency in large population cohorts (gnomAD); In silico analysis supports that this missense variant has a deleterious effect on protein structure/function; Has not been previously published as pathogenic or benign to our knowledge

NM_001127178.3(PIGG):c.2617G>A (p.Val873Met)

Gene: PIGG (phosphatidylinositol glycan anchor biosynthesis class G (EMM blood group); plus strand). Cytogenetic location: 4p16.3.
Variant type: single nucleotide variant.
Coding change: c.2617G>A on transcript NM_001127178.3 (MANE Select); coding-DNA position 2617, G replaced by A.
Protein change: p.Val873Met; replaces valine 873 with methionine.
Molecular consequence: missense variant. On other transcripts: non-coding transcript variant (10).
Genome position (GRCh38, 1-based): chr4:533,863, G>A. VCF-style: chr4-533863-G-A. GRCh37 (hg19) VCF-style: chr4-527652-G-A.
Other names: p.Val873Met; c.2350G>A, p.Val784Met (NM_001345986.2, NM_001289051.2); c.2326G>A, p.Val776Met (NM_001345987.2); c.1588G>A, p.Val530Met (NM_001345988.2); c.1084G>A, p.Val362Met (NM_001345990.2, NM_001345991.2); c.1519G>A, p.Val507Met (NM_001345994.2); c.2593G>A, p.Val865Met (NM_017733.5); c.2218G>A, p.Val740Met (NM_001289052.2); short protein forms V507M, V740M, V873M, V362M, V530M, V784M, V776M, V865M.
Identifiers: ClinVar variation 4056024 (VCV004056024.2).